The following is an entry in ClinVar:

ClinVar aggregate classification (germline): Conflicting classifications of pathogenicity. Review status: criteria provided, conflicting classifications (1 of 4 stars). 4 submissions from 4 submitters: Uncertain significance (3); Benign (1). Last evaluated 2025-03-19.

Conditions:
Hereditary cancer-predisposing syndrome. Also called: Tumor predisposition; Neoplastic Syndromes, Hereditary; Hereditary Cancer Syndrome; Hereditary neoplastic syndrome. Identifiers: Orphanet 140162, MedGen C0027672, MeSH D009386, MONDO:0015356.
Hereditary diffuse gastric adenocarcinoma (HDGC). Also called: DIFFUSE GASTRIC AND LOBULAR BREAST CANCER SYNDROME. Identifiers: Orphanet 26106, MedGen C1708349, MONDO:0007648, OMIM 137215.

Submissions (4):

Labcorp Genetics (formerly Invitae), Labcorp
Classification: Uncertain significance for Hereditary diffuse gastric adenocarcinoma. Last evaluated: 2025-03-19. Review status: criteria provided, single submitter. Criteria: Invitae Variant Classification Sherloc (09022015). Collection method: clinical testing. Allele origin: germline.
Comment: This sequence change replaces valine, which is neutral and non-polar, with isoleucine, which is neutral and non-polar, at codon 100 of the CDH1 protein (p.Val100Ile). This variant is not present in population databases (gnomAD no frequency). This variant has not been reported in the literature in individuals affected with CDH1-related conditions. ClinVar contains an entry for this variant (Variation ID: 418791). An algorithm developed to predict the effect of missense changes on protein structure and function outputs the following: PolyPhen-2: "Benign". The isoleucine amino acid residue is found in multiple mammalian species, which suggests that this missense change does not adversely affect protein function. In summary, the available evidence is currently insufficient to determine the role of this variant in disease. Therefore, it has been classified as a Variant of Uncertain Significance.

Ambry Genetics
Classification: Benign for Hereditary cancer-predisposing syndrome. Last evaluated: 2025-03-15. Review status: criteria provided, single submitter. Criteria: Ambry Variant Classification Scheme 2023. Collection method: clinical testing. Allele origin: germline.

Color Diagnostics, LLC DBA Color Health
Classification: Uncertain significance for Hereditary cancer-predisposing syndrome. Last evaluated: 2024-08-27. Review status: criteria provided, single submitter. Criteria: ACMG Guidelines, 2015. Collection method: clinical testing. Allele origin: germline.
Comment: This missense variant replaces valine with isoleucine at codon 100 of the CDH1 protein. To our knowledge, functional studies have not been reported for this variant. This variant has not been reported in individuals affected with CDH1-related disorders in the literature. This variant has not been identified in the general population by the Genome Aggregation Database (gnomAD). The available evidence is insufficient to determine the role of this variant in disease conclusively. Therefore, this variant is classified as a Variant of Uncertain Significance.

GeneDx
Classification: Uncertain significance. Last evaluated: 2018-06-06. Review status: criteria provided, single submitter. Criteria: GeneDx Variant Classification (06012015). Collection method: clinical testing. Allele origin: germline. Affected: yes.
Comment: This variant is denoted CDH1 c.298G>A at the cDNA level, p.Val100Ile (V100I) at the protein level, and results in the change of a Valine to an Isoleucine (GTC>ATC). This variant has not, to our knowledge, been published in the literature as a pathogenic or benign germline variant. CDH1 Val100Ile was not observed in large population cohorts (Lek 2016). This variant is located in the precursor sequence domain (Brooks-Wilson 2004). In silico analysis, which includes protein predictors and evolutionary conservation, supports that this variant does not alter protein structure/function. Based on currently available evidence, it is unclear whether CDH1 Val100Ile is a pathogenic or benign variant. We consider it to be a variant of uncertain significance.

Literature cited by the submitters: PubMed 30287823 (cited by Ambry Genetics).

NM_004360.5(CDH1):c.298G>A (p.Val100Ile)

Gene: CDH1 (cadherin 1; plus strand). Cytogenetic location: 16q22.1.
Variant type: single nucleotide variant.
Coding change: c.298G>A on transcript NM_004360.5 (MANE Select); coding-DNA position 298, G replaced by A.
Protein change: p.Val100Ile; replaces valine 100 with isoleucine.
Molecular consequence: missense variant. On other transcripts: 5 prime UTR variant (2).
Genome position (GRCh38, 1-based): chr16:68,801,804, G>A. VCF-style: chr16-68801804-G-A. GRCh37 (hg19) VCF-style: chr16-68835707-G-A.
Other names: c.298G>A (LRG_301t1); c.298G>A, p.Val100Ile (NM_001317184.2); c.-1318G>A (NM_001317185.2); c.-1522G>A (NM_001317186.2); short protein forms V100I.
Identifiers: ClinVar variation 418791 (VCV000418791.21), dbSNP rs1064793437, ClinGen allele CA16620234.